The following is an entry in ClinVar:

ClinVar aggregate classification (germline): Uncertain significance (1 of 4 stars; one submission).

Conditions:
Neurofibromatosis, type 1 (NF1). Also called: NEUROFIBROMATOSIS, TYPE I, SOMATIC; Neurofibromatosis, type I; VON RECKLINGHAUSEN DISEASE; Peripheral type neurofibromatosis. Identifiers: Orphanet 636, MedGen C0027831, MONDO:0018975, OMIM 162200. Disease mechanism: loss of function.

Submission:

Labcorp Genetics (formerly Invitae), Labcorp
Classification: Uncertain significance for Neurofibromatosis, type 1. Last evaluated: 2024-11-04. Review status: criteria provided, single submitter. Criteria: Invitae Variant Classification Sherloc (09022015). Collection method: clinical testing. Allele origin: germline.
Comment: This sequence change replaces serine, which is neutral and polar, with tyrosine, which is neutral and polar, at codon 2796 of the NF1 protein (p.Ser2796Tyr). This variant is not present in population databases (gnomAD no frequency). This variant has not been reported in the literature in individuals affected with NF1-related conditions. Invitae Evidence Modeling of protein sequence and biophysical properties (such as structural, functional, and spatial information, amino acid conservation, physicochemical variation, residue mobility, and thermodynamic stability) has been performed for this missense variant. However, the output from this modeling did not meet the statistical confidence thresholds required to predict the impact of this variant on NF1 protein function. In summary, the available evidence is currently insufficient to determine the role of this variant in disease. Therefore, it has been classified as a Variant of Uncertain Significance.

NM_001042492.3(NF1):c.8450C>A (p.Ser2817Tyr)

Gene: NF1 (neurofibromin 1; plus strand). Cytogenetic location: 17q11.2.
Variant type: single nucleotide variant.
Coding change: c.8450C>A on transcript NM_001042492.3 (MANE Select); coding-DNA position 8450, C replaced by A.
Protein change: p.Ser2817Tyr; replaces serine 2817 with tyrosine.
Molecular consequence: missense variant.
Genome position (GRCh38, 1-based): chr17:31,374,085, C>A. VCF-style: chr17-31374085-C-A. GRCh37 (hg19) VCF-style: chr17-29701103-C-A.
Other names: c.8387C>A, p.Ser2796Tyr (NM_000267.4); short protein forms S2817Y, S2796Y.
Identifiers: ClinVar variation 3706127 (VCV003706127.2).
Genomic context (GRCh38, chr17:31,374,085, plus strand): 5'-AGAACGTTGAACTCTCCCCTACCACTGGCCACTGTAACAGTGGACGAACTCGCCACGGAT[C>A]CGCAAGCCAAGTGCAGAAGCAAAGAAGCGCTGGCAGTTTCAAACGTAATAGCATTAAGAA-3'
Protein context (NP_001035957.1, residues 2807-2827): HCNSGRTRHG[Ser2817Tyr]ASQVQKQRSA